The following is an entry in ClinVar:

NM_002299.4(LCT):c.2978A>G (p.Asn993Ser)

Gene: LCT (lactase; minus strand). Cytogenetic location: 2q21.3.
Variant type: single nucleotide variant.
Coding change: c.2978A>G on transcript NM_002299.4 (MANE Select); coding-DNA position 2978, A replaced by G.
Protein change: p.Asn993Ser; replaces asparagine 993 with serine.
Molecular consequence: missense variant.
Genome position (GRCh38, 1-based): chr2:135,809,369, T>C on the plus strand (A>G on the coding strand, the complement: LCT is on the minus strand). VCF-style: chr2-135809369-T-C. GRCh37 (hg19) VCF-style: chr2-136566939-T-C.
Other names: short protein forms N993S.
Identifiers: ClinVar variation 2006652 (VCV002006652.4), dbSNP rs2467218669, ClinGen allele CA348601351.

ClinVar aggregate classification (germline): Uncertain significance (1 of 4 stars; one submission).

Submission:

Labcorp Genetics (formerly Invitae), Labcorp
Classification: Uncertain significance. Last evaluated: 2022-06-14. Review status: criteria provided, single submitter. Criteria: Invitae Variant Classification Sherloc (09022015). Collection method: clinical testing. Allele origin: germline.
Comment: This sequence change replaces asparagine, which is neutral and polar, with serine, which is neutral and polar, at codon 993 of the LCT protein (p.Asn993Ser). This variant is not present in population databases (gnomAD no frequency). This variant has not been reported in the literature in individuals affected with LCT-related conditions. Algorithms developed to predict the effect of missense changes on protein structure and function are either unavailable or do not agree on the potential impact of this missense change (SIFT: "Not Available"; PolyPhen-2: "Probably Damaging"; Align-GVGD: "Not Available"). In summary, the available evidence is currently insufficient to determine the role of this variant in disease. Therefore, it has been classified as a Variant of Uncertain Significance.